The following is an entry in ClinVar:

NM_152743.4(BRAT1):c.1903G>A (p.Val635Met)

Gene: BRAT1 (BRCA1 associated ATM activator 1; minus strand). Cytogenetic location: 7p22.3.
Variant type: single nucleotide variant.
Coding change: c.1903G>A on transcript NM_152743.4 (MANE Select); coding-DNA position 1903, G replaced by A.
Protein change: p.Val635Met; replaces valine 635 with methionine.
Molecular consequence: missense variant. On other transcripts: non-coding transcript variant (1).
Genome position (GRCh38, 1-based): chr7:2,538,632, C>T on the plus strand (G>A on the coding strand, the complement: BRAT1 is on the minus strand). VCF-style: chr7-2538632-C-T. GRCh37 (hg19) VCF-style: chr7-2578266-C-T.
Other names: c.2083G>A, p.Val695Met (NM_001350626.2); c.1378G>A, p.Val460Met (NM_001350627.2); short protein forms V460M, V695M, V635M.
Identifiers: ClinVar variation 651501 (VCV000651501.6), dbSNP rs373392231, ClinGen allele CA4127521.
Genomic context (GRCh38, chr7:2,538,632, plus strand): 5'-GGCCCTGGGCGCGGACCTCCCAGTCCAGGTCTCGGCTCGCCGCCTGCAGCACAGTGGCCA[C>T]GAACTGCTCCGTGTCCTGGGCCGCGTCGGCGTGGCCGTCCCGCAGCCACTCAGTGAAGAC-3'
Protein context (NP_689956.2, residues 625-645): ADAAQDTEQF[Val635Met]ATVLQAASRD

ClinVar aggregate classification (germline): Uncertain significance (1 of 4 stars; one submission).

Conditions:
Neonatal-onset encephalopathy with rigidity and seizures. Also called: Lethal neonatal spasticity-epileptic encephalopathy syndrome. Identifiers: Orphanet 435845, MedGen C3281029, MONDO:0013784, OMIM 614498.

Allele frequency attached by ClinVar (database versions not stated): ExAC 0.00001; gnomAD exomes 0.00001 and 0.00002; gnomAD 0.00005; ESP Exome Variant Server 0.00008; TOPMed 0.00009; 1000 Genomes Project 30x 0.00016.
gnomAD v4.1: 23 of 1,598,406 alleles (0.0014%); highest among the groups gnomAD compares: African/African-American, 0.02%; no homozygotes.

Submission:

Labcorp Genetics (formerly Invitae), Labcorp
Classification: Uncertain significance for Neonatal-onset encephalopathy with rigidity and seizures. Last evaluated: 2022-08-31. Review status: criteria provided, single submitter. Criteria: Invitae Variant Classification Sherloc (09022015). Collection method: clinical testing. Allele origin: germline.
Comment: This sequence change replaces valine, which is neutral and non-polar, with methionine, which is neutral and non-polar, at codon 635 of the BRAT1 protein (p.Val635Met). This variant is present in population databases (rs373392231, gnomAD 0.02%). This variant has not been reported in the literature in individuals affected with BRAT1-related conditions. ClinVar contains an entry for this variant (Variation ID: 651501). Algorithms developed to predict the effect of missense changes on protein structure and function output the following: SIFT: "Tolerated"; PolyPhen-2: "Benign"; Align-GVGD: "Class C0". The methionine amino acid residue is found in multiple mammalian species, which suggests that this missense change does not adversely affect protein function. In summary, the available evidence is currently insufficient to determine the role of this variant in disease. Therefore, it has been classified as a Variant of Uncertain Significance.